The following is an entry in ClinVar:

NM_001371623.1(TCOF1):c.4368dup (p.Glu1457fs)

Gene: TCOF1 (treacle ribosome biogenesis factor 1; plus strand). Cytogenetic location: 5q32.
Variant type: Duplication.
Coding change: c.4368dup on transcript NM_001371623.1 (MANE Select); coding-DNA position 4368, one base duplicated (A; older notation c.4368dupA).
Protein change: p.Glu1457fs; shifts the reading frame from glutamic acid 1457.
Molecular consequence: frameshift variant.
Genome position (GRCh38, 1-based): chr5:150,398,376, A duplicated; the last of 8 consecutive A bases (chr5:150,398,369-150,398,376); duplicating any one gives the same sequence. VCF-style (leftmost placement, unchanged base first): chr5-150398368-G-GA. GRCh37 (hg19) VCF-style: chr5-149777931-G-GA.
Other names: c.4134dup, p.Glu1379fs (NM_000356.4); c.4365dup, p.Glu1456fs (NM_001135243.2); c.4254dup, p.Glu1419fs (NM_001135244.2); c.4137dup, p.Glu1380fs (NM_001135245.2); c.4251dup, p.Glu1418fs (NM_001195141.2); c.4368dupA (NM_001371623.1); short protein forms E1380fs, E1418fs, E1419fs, E1456fs, E1379fs, E1457fs.
Identifiers: ClinVar variation 436967 (VCV000436967.18), dbSNP rs587776585, ClinGen allele CA645372422.

ClinVar aggregate classification (germline): Pathogenic. Review status: criteria provided, multiple submitters, no conflicts (2 of 4 stars). 5 submissions from 5 submitters: Pathogenic (5). Last evaluated 2022-09-01.

Conditions:
Treacher Collins syndrome 1 (TCS1). Also called: TCOF1-Related Treacher Collins Syndrome. Identifiers: Orphanet 861, MedGen CN315775, MONDO:0007944, OMIM 154500.
TCOF1-related disorder. Also called: TCOF1-related condition.

Submissions (5):

3billion
Classification: Pathogenic for Treacher Collins syndrome 1. Last evaluated: 2022-09-01. Review status: criteria provided, single submitter. Criteria: ACMG Guidelines, 2015. Collection method: clinical testing. Allele origin: germline. Affected: yes. Observed: 1 heterozygote.
Comment: The variant is not observed in the gnomAD v2.1.1 dataset. Frameshift variant is predicted to result in a loss or disruption of normal protein function through nonsense-mediated decay (NMD) or protein truncation. Multiple pathogenic variants are reported downstream of the variant. The variant has been reported at least twice as pathogenic with clinical assertions and evidence for the classification (ClinVar ID: VCV000436967 / PMID: 25790162). Therefore, this variant is classified as Pathogenic according to the recommendation of ACMG/AMP guideline.

Blueprint Genetics
Classification: Pathogenic for TCOF1-related disorders. Last evaluated: 2022-02-25. Review status: criteria provided, single submitter. Criteria: ACMG Guidelines, 2015. Collection method: clinical testing. Allele origin: germline. Affected: yes. Observed: 1 variant allele.

Labcorp Genetics (formerly Invitae), Labcorp
Classification: Pathogenic for Treacher Collins syndrome 1. Last evaluated: 2021-07-28. Review status: criteria provided, single submitter. Criteria: Invitae Variant Classification Sherloc (09022015). Collection method: clinical testing. Allele origin: germline.
Comment: This variant is not present in population databases (ExAC no frequency). This sequence change creates a premature translational stop signal (p.Glu1456Argfs*15) in the TCOF1 gene. It is expected to result in an absent or disrupted protein product. This variant has been observed in individual(s) with Treacher Collins syndrome (PMID: 25790162). ClinVar contains an entry for this variant (Variation ID: 436967). For these reasons, this variant has been classified as Pathogenic. Loss-of-function variants in TCOF1 are known to be pathogenic (PMID: 8894686, 22317976).

Genetic Services Laboratory, University of Chicago
Classification: Pathogenic for Treacher Collins syndrome 1. Last evaluated: 2016-12-12. Review status: criteria provided, single submitter. Criteria: ACMG Guidelines, 2015. Collection method: clinical testing. Allele origin: germline. Affected: yes.

Kasturba Medical College, Manipal, Kasturba Medical College, Manipal, Manipal Academy of Higher Education, Manipal, India
Classification: Pathogenic for Treacher Collins syndrome 1. Review status: criteria provided, single submitter. Criteria: ACMG Guidelines, 2015. Collection method: clinical testing. Allele origin: maternal. Inheritance: Autosomal dominant inheritance. Affected: yes. Observed: 1 heterozygote.

Literature cited by the submitters: PubMed 25790162 (cited by 3billion and Labcorp Genetics (formerly Invitae), Labcorp); PubMed 8894686 (cited by Labcorp Genetics (formerly Invitae), Labcorp); PubMed 22317976 (cited by Labcorp Genetics (formerly Invitae), Labcorp); DOI 10.1038/gim.2015.29 (cited by Kasturba Medical College, Manipal, Kasturba Medical College, Manipal, Manipal Academy of Higher Education, Manipal, India).